The following is an entry in ClinVar:

NM_001378964.1(CDON):c.3395C>G (p.Pro1132Arg)

Gene: CDON (cell adhesion associated, oncogene regulated; minus strand). Cytogenetic location: 11q24.2.
Variant type: single nucleotide variant.
Coding change: c.3395C>G on transcript NM_001378964.1 (MANE Select); coding-DNA position 3395, C replaced by G.
Protein change: p.Pro1132Arg; replaces proline 1132 with arginine.
Molecular consequence: missense variant.
Genome position (GRCh38, 1-based): chr11:125,961,960, G>C on the plus strand (C>G on the coding strand, the complement: CDON is on the minus strand). VCF-style: chr11-125961960-G-C. GRCh37 (hg19) VCF-style: chr11-125831855-G-C.
Other names: c.3395C>G, p.Pro1132Arg (NM_001243597.3, NM_016952.6); short protein forms P1132R.
Identifiers: ClinVar variation 3665255 (VCV003665255.2).
Genomic context (GRCh38, chr11:125,961,960, plus strand): 5'-AGGGGCTTCATTTCCAAACCATCCTGAGGATAAGGTGCTACCACAGGGACCACAGGAGGA[G>C]GGCTGCTGCTGAAAGTGCTGTTGGTTTTGGTGAAACACCTGCAGAGGTTAAACCAAAAGA-3'
Protein context (NP_001365893.1, residues 1122-1142): TKTNSTFSSS[Pro1132Arg]PPVVPVVAPY

ClinVar aggregate classification (germline): Uncertain significance (1 of 4 stars; one submission).

Conditions:
Holoprosencephaly 11 (HPE11). Identifiers: Orphanet 2162, MedGen C3280215, MONDO:0013642, OMIM 614226.

gnomAD v4.1: 11 of 1,614,122 alleles (0.00068%); highest among the groups gnomAD compares: Non-Finnish European, 0.00093%; no homozygotes.

Submission:

Labcorp Genetics (formerly Invitae), Labcorp
Classification: Uncertain significance for Holoprosencephaly 11. Last evaluated: 2024-09-04. Review status: criteria provided, single submitter. Criteria: Invitae Variant Classification Sherloc (09022015). Collection method: clinical testing. Allele origin: germline.
Comment: This sequence change replaces proline, which is neutral and non-polar, with arginine, which is basic and polar, at codon 1132 of the CDON protein (p.Pro1132Arg). This variant is present in population databases (no rsID available, gnomAD 0.002%). This variant has not been reported in the literature in individuals affected with CDON-related conditions. Invitae Evidence Modeling of protein sequence and biophysical properties (such as structural, functional, and spatial information, amino acid conservation, physicochemical variation, residue mobility, and thermodynamic stability) indicates that this missense variant is not expected to disrupt CDON protein function with a negative predictive value of 80%. In summary, the available evidence is currently insufficient to determine the role of this variant in disease. Therefore, it has been classified as a Variant of Uncertain Significance.